The following is an entry in ClinVar:

ClinVar aggregate classification (germline): Uncertain significance. Review status: criteria provided, single submitter (1 of 4 stars). 2 submissions from 2 submitters: Uncertain significance (1). 1 of the submissions does not count toward it. Last evaluated 2025-01-29.

Conditions:
Duchenne muscular dystrophy (DMD). Also called: Duchenne Muscular Dystrophy (DMD); MUSCULAR DYSTROPHY, PSEUDOHYPERTROPHIC PROGRESSIVE, DUCHENNE TYPE. Identifiers: Orphanet 98896, MedGen C0013264, MONDO:0010679, OMIM 310200.
Dystrophin deficiency.
Becker muscular dystrophy (BMD). Also called: MUSCULAR DYSTROPHY, PSEUDOHYPERTROPHIC PROGRESSIVE, BECKER TYPE; Becker Muscular Dystrophy (BMD). Identifiers: Orphanet 98895, MedGen C0917713, MONDO:0010311, OMIM 300376.
Cardiomyopathy (CMYO). Also called: Cardiomyopathies. Identifiers: Orphanet 167848, MedGen C0878544, MONDO:0004994, HP:0001638. Inheritance: Various modes of inheritance.

Allele frequency attached by ClinVar (database versions not stated): gnomAD exomes below 0.00001; TOPMed below 0.00001.
gnomAD v4.1: 1 of 1,205,956 alleles (0.000083%); highest among the groups gnomAD compares: Non-Finnish European, 0.00011%; no homozygotes.

Submissions (2):

Labcorp Genetics (formerly Invitae), Labcorp
Classification: Uncertain significance for Duchenne muscular dystrophy. Last evaluated: 2025-01-29. Review status: criteria provided, single submitter. Criteria: Invitae Variant Classification Sherloc (09022015). Collection method: clinical testing. Allele origin: germline.
Comment: This sequence change replaces methionine, which is neutral and non-polar, with valine, which is neutral and non-polar, at codon 3356 of the DMD protein (p.Met3356Val). This variant is not present in population databases (gnomAD no frequency). This variant has not been reported in the literature in individuals affected with DMD-related conditions. ClinVar contains an entry for this variant (Variation ID: 838065). Invitae Evidence Modeling of protein sequence and biophysical properties (such as structural, functional, and spatial information, amino acid conservation, physicochemical variation, residue mobility, and thermodynamic stability) indicates that this missense variant is not expected to disrupt DMD protein function with a negative predictive value of 95%. In summary, the available evidence is currently insufficient to determine the role of this variant in disease. Therefore, it has been classified as a Variant of Uncertain Significance.

Natera, Inc.
Classification: Uncertain significance for Becker muscular dystrophy; Cardiomyopathy; Duchenne muscular dystrophy; Dystrophin deficiency. Last evaluated: 2021-02-18. Review status: no assertion criteria provided. Collection method: clinical testing. Allele origin: germline. Not counted in ClinVar's aggregate classification.

NM_004006.3(DMD):c.10066A>G (p.Met3356Val)

Gene: DMD (dystrophin; minus strand). Cytogenetic location: Xp21.2.
Variant type: single nucleotide variant.
Coding change: c.10066A>G on transcript NM_004006.3 (MANE Select); coding-DNA position 10066, A replaced by G.
Protein change: p.Met3356Val; replaces methionine 3356 with valine.
Molecular consequence: missense variant.
Genome position (GRCh38, 1-based): chrX:31,180,390, T>C on the plus strand (A>G on the coding strand, the complement: DMD is on the minus strand). VCF-style: chrX-31180390-T-C. GRCh37 (hg19) VCF-style: chrX-31198507-T-C.
Other names: c.10042A>G, p.Met3348Val (NM_000109.4); c.10054A>G, p.Met3352Val (NM_004009.3); c.9697A>G, p.Met3233Val (NM_004010.3); c.6043A>G, p.Met2015Val (NM_004011.4); c.6034A>G, p.Met2012Val (NM_004012.4); c.2686A>G, p.Met896Val (NM_004013.3, NM_004020.4, NM_004021.3 and 2 more transcripts); c.1879A>G, p.Met627Val (NM_004014.3); c.862A>G, p.Met288Val (NM_004015.3, NM_004016.3, NM_004017.3 and 2 more transcripts); short protein forms M2012V, M3233V, M288V, M3348V, M3352V, M896V, M2015V, M3356V.
Identifiers: ClinVar variation 838065 (VCV000838065.9), dbSNP rs2041033085, ClinGen allele CA412653032.
Genomic context (GRCh38, chrX:31,180,390, plus strand): 5'-AGGTGAACTAACTCTCACGTCAGGCTGGCGTCAAACTTACCGGAGTGCAATATTCCACCA[T>C]GGGATAGTGCATTTTATGGCCTTTTGCAACTCGACCAGAAAAAAAGCAGCTTTGGCAGAT-3'
Protein context (NP_003997.2, residues 3346-3366): VAKGHKMHYP[Met3356Val]VEYCTPTTSG